The following is an entry in ClinVar:

ClinVar aggregate classification (germline): Likely benign (1 of 4 stars; one submission).

Submission:

CeGaT Center for Human Genetics Tuebingen
Classification: Likely benign. Last evaluated: 2023-09-01. Review status: criteria provided, single submitter. Criteria: CeGaT Center For Human Genetics Tuebingen Variant Classification Criteria Version 2. Collection method: clinical testing. Allele origin: germline. Affected: yes. Observed: 1 variant allele.
Comment: ADCY5: PM2:Supporting, BP4, BP7

NM_183357.3(ADCY5):c.2934T>G (p.Pro978=)

Gene: ADCY5 (adenylate cyclase 5; minus strand). Cytogenetic location: 3q21.1.
Variant type: single nucleotide variant.
Coding change: c.2934T>G on transcript NM_183357.3 (MANE Select); coding-DNA position 2934, T replaced by G.
Protein change: p.Pro978=; no amino-acid change (proline 978 retained).
Molecular consequence: synonymous variant.
Genome position (GRCh38, 1-based): chr3:123,296,213, A>C on the plus strand (T>G on the coding strand, the complement: ADCY5 is on the minus strand). VCF-style: chr3-123296213-A-C. GRCh37 (hg19) VCF-style: chr3-123015060-A-C.
Other names: c.1884T>G, p.Pro628= (NM_001199642.1); c.3009T>G, p.Pro1003= (NM_001378259.1).
Identifiers: ClinVar variation 2654075 (VCV002654075.24), dbSNP rs2472657138, ClinGen allele CA435298016.
Genomic context (GRCh38, chr3:123,296,213, plus strand): 5'-CACAAAGACTGAGATGATGATGGGCGTCACCACCTTCAATGCCACCTTGGTTGCATGCTC[A>C]GGGCTGTGGGGAGGTGGTGGACAGGCCTGAGACGGCCGTGGCTCCTCACAGCGGGCTCTG-3'
Protein context (NP_899200.1, residues 968-988): DFFNNGTSQC[Pro978=]EHATKVALKV